The following is an entry in ClinVar:

ClinVar aggregate classification (germline): Conflicting classifications of pathogenicity. Review status: criteria provided, conflicting classifications (1 of 4 stars). 3 submissions from 3 submitters: Likely pathogenic (2); Uncertain significance (1). Last evaluated 2025-08-12.

Conditions:
Hereditary cancer-predisposing syndrome. Also called: Tumor predisposition; Hereditary Cancer Syndrome; Neoplastic Syndromes, Hereditary; Hereditary neoplastic syndrome. Identifiers: Orphanet 140162, MedGen C0027672, MeSH D009386, MONDO:0015356.
Multiple endocrine neoplasia, type 1 (MEN1). Also called: MEA I; MEN I; WERMER SYNDROME; Endocrine adenomatosis multiple; MEN 1. Identifiers: Orphanet 652, MedGen C0025267, MeSH D018761, MONDO:0007540, OMIM 131100.

Submissions (3):

Ambry Genetics
Classification: Likely pathogenic for Hereditary cancer-predisposing syndrome. Last evaluated: 2025-08-12. Review status: criteria provided, single submitter. Criteria: Ambry Variant Classification Scheme 2023. Collection method: clinical testing. Allele origin: germline.
Comment: The c.639C>A variant (also known as p.A213A), located in coding exon 2 of the MEN1 gene, results from a C to A substitution at nucleotide position 639. This nucleotide substitution does not change the amino acid at codon 213. This variant was reported in individuals with features consistent with multiple endocrine neoplasia type 1 (Wallander K et al. Hered Cancer Clin Pract, 2021 Oct;19:46; Ambry internal data). This nucleotide position is not well conserved in available vertebrate species. In silico splice site analysis predicts that this alteration may weaken the native splice donor site and will result in the creation or strengthening of a novel splice donor site. RNA studies have demonstrated that this alteration results in abnormal splicing in the set of samples tested (Wallander K et al. Hered Cancer Clin Pract, 2021 Oct;19:46; Ambry internal data). Based on the majority of available evidence to date, this variant is likely to be pathogenic.

Regional Center For Medical Genetics Timis, Louis Turcanu Emergency Hospital for Children Timisoara
Classification: Likely pathogenic for Multiple endocrine neoplasia, type 1. Last evaluated: 2024-05-29. Review status: criteria provided, single submitter. Criteria: ACMG Guidelines, 2015. Collection method: research. Allele origin: germline. Inheritance: Autosomal dominant inheritance. Affected: yes.
Comment: The variant is absent from healthy population databases (gnomAD v4.1.0). In silico predictions and RNA studies for this variant show it is associated with strengthening of a regional cryptic splice site, 14 nucleotides loss from the final transcript, frameshift and loss of function. The missense variant NM_001370259.2:c.643G>A, located nearby and classified as P/LP, has similar in silico splicing predictions. The patient's phenotype is specific for MEN1. The variant was therefore classified as likely pathogenic, according to ACMG 2015 guidelines and ClinGen guidelines for PM2, PP1/PP4 and Splicing criteria Criteria used for classification: PM2_Supporting, PP4_Strong, PP1_Supporting, PP3, PS1_Supporting.

Labcorp Genetics (formerly Invitae), Labcorp
Classification: Uncertain significance for Multiple endocrine neoplasia, type 1. Last evaluated: 2021-12-16. Review status: criteria provided, single submitter. Criteria: Invitae Variant Classification Sherloc (09022015). Collection method: clinical testing. Allele origin: germline.
Comment: This sequence change affects codon 213 of the MEN1 mRNA. It is a 'silent' change, meaning that it does not change the encoded amino acid sequence of the MEN1 protein. This variant has been observed in individuals with MEN1-related conditions (PMID: 34711244; Invitae). Algorithms developed to predict the effect of sequence changes on RNA splicing suggest that this variant may create or strengthen a splice site. One publication reported that this variant is associated with altered splicing, but the presented data was not conclusive (PMID: 34711244). In summary, the available evidence is currently insufficient to determine the role of this variant in disease. Therefore, it has been classified as a Variant of Uncertain Significance.

Literature cited by the submitters: PubMed 34711244 (cited by Ambry Genetics and Labcorp Genetics (formerly Invitae), Labcorp).

NM_001370259.2(MEN1):c.639C>A (p.Ala213=)

Gene: MEN1 (menin 1; minus strand). Cytogenetic location: 11q13.1.
Variant type: single nucleotide variant.
Coding change: c.639C>A on transcript NM_001370259.2 (MANE Select); coding-DNA position 639, C replaced by A.
Protein change: p.Ala213=; no amino-acid change (alanine 213 retained).
Molecular consequence: synonymous variant. On other transcripts: intron variant (2).
Genome position (GRCh38, 1-based): chr11:64,807,906, G>T on the plus strand (C>A on the coding strand, the complement: MEN1 is on the minus strand). VCF-style: chr11-64807906-G-T. GRCh37 (hg19) VCF-style: chr11-64575378-G-T.
Other names: c.654C>A, p.Ala218= (NM_000244.4, NM_130800.3, NM_130801.3 and 3 more transcripts); c.639C>A, p.Ala213= (NM_001370251.2, NM_001370260.2, NM_001370261.2 and 1 more transcripts); c.549+90C>A (NM_001370263.2, NM_001370262.2).
Identifiers: ClinVar variation 748511 (VCV000748511.12), dbSNP rs746067825, ClinGen allele CA475162834.